The following is an entry in ClinVar:

NM_033026.6(PCLO):c.7530C>T (p.Ile2510=)

Gene: PCLO (piccolo presynaptic cytomatrix protein; minus strand). Cytogenetic location: 7q21.11.
Variant type: single nucleotide variant.
Coding change: c.7530C>T on transcript NM_033026.6 (MANE Select); coding-DNA position 7530, C replaced by T.
Protein change: p.Ile2510=; no amino-acid change (isoleucine 2510 retained).
Molecular consequence: synonymous variant.
Genome position (GRCh38, 1-based): chr7:82,953,423, G>A on the plus strand (C>T on the coding strand, the complement: PCLO is on the minus strand). VCF-style: chr7-82953423-G-A. GRCh37 (hg19) VCF-style: chr7-82582739-G-A.
Other names: c.7530C>T, p.Ile2510= (NM_014510.3).
Identifiers: ClinVar variation 1623818 (VCV001623818.26), dbSNP rs762713019, ClinGen allele CA4320285.

ClinVar aggregate classification (germline): Likely benign. Review status: criteria provided, multiple submitters, no conflicts (2 of 4 stars). 2 submissions from 2 submitters: Likely benign (2). Last evaluated 2025-02-12.

Allele frequency attached by ClinVar (database versions not stated): TOPMed 0.00007.
gnomAD v4.1: 23 of 1,613,500 alleles (0.0014%); highest among the groups gnomAD compares: African/African-American, 0.011%; no homozygotes.

Submissions (2):

Labcorp Genetics (formerly Invitae), Labcorp
Classification: Likely benign. Last evaluated: 2025-02-12. Review status: criteria provided, single submitter. Criteria: Invitae Variant Classification Sherloc (09022015). Collection method: clinical testing. Allele origin: germline.

CeGaT Center for Human Genetics Tuebingen
Classification: Likely benign. Last evaluated: 2024-06-01. Review status: criteria provided, single submitter. Criteria: CeGaT Center For Human Genetics Tuebingen Variant Classification Criteria Version 2. Collection method: clinical testing. Allele origin: germline. Affected: yes. Observed: 1 variant allele.
Comment: PCLO: BP4, BP7